The following is an entry in ClinVar:

NM_000218.3(KCNQ1):c.411C>T (p.Leu137=)

Gene: KCNQ1 (potassium voltage-gated channel subfamily Q member 1; plus strand). Cytogenetic location: 11p15.5.
Variant type: single nucleotide variant.
Coding change: c.411C>T on transcript NM_000218.3 (MANE Select); coding-DNA position 411, C replaced by T.
Protein change: p.Leu137=; no amino-acid change (leucine 137 retained).
Molecular consequence: synonymous variant.
Genome position (GRCh38, 1-based): chr11:2,527,952, C>T. VCF-style: chr11-2527952-C-T. GRCh37 (hg19) VCF-style: chr11-2549182-C-T.
Other names: c.411C>T, p.Leu137= (NM_001406836.1, NM_001406838.1); c.141C>T, p.Leu47= (NM_001406837.1); c.30C>T, p.Leu10= (NM_181798.2).
Identifiers: ClinVar variation 1631772 (VCV001631772.12), dbSNP rs1035435122, ClinGen allele CA472038230.
Genomic context (GRCh38, chr11:2,527,952, plus strand): 5'-GGCCGTGATGCTGACTGCCGTGTCCCTGTCTTGCAGCTTCCTCATCGTCCTGGTCTGCCT[C>T]ATCTTCAGCGTGCTGTCCACCATCGAGCAGTATGCCGCCCTGGCCACGGGGACTCTCTTC-3'
Protein context (NP_000209.2, residues 127-147): FAVFLIVLVC[Leu137=]IFSVLSTIEQ

ClinVar aggregate classification (germline): Likely benign. Review status: criteria provided, multiple submitters, no conflicts (2 of 4 stars). 4 submissions from 4 submitters: Likely benign (4). Last evaluated 2023-06-28.

Conditions:
Long QT syndrome (LQTS). Identifiers: MedGen C0023976, MeSH D008133, MONDO:0002442. Disease mechanism: loss of function. Inheritance: Various modes of inheritance.
Cardiac arrhythmia. Also called: Arrhythmia; Cardiac rhythm disease. Identifiers: MedGen C0003811, MONDO:0007263, HP:0011675.
Cardiovascular phenotype. Identifiers: MedGen CN230736.

Allele frequency attached by ClinVar (database versions not stated): gnomAD 0.00001.
gnomAD v4.1: 4 of 1,614,012 alleles (0.00025%); highest among the groups gnomAD compares: East Asian, 0.0022%; no homozygotes.

Submissions (4):

All of Us Research Program, National Institutes of Health
Classification: Likely benign for Long QT syndrome. Last evaluated: 2023-06-28. Review status: criteria provided, single submitter. Criteria: ACMG Guidelines, 2015. Collection method: clinical testing. Allele origin: germline. Inheritance: Autosomal dominant inheritance. Observed: 2 variant alleles, 2 heterozygotes.
Comment: This study involves interpretation of variants in research participants for the purpose of population health screening. Participant phenotype was not available at the time of variant classification. Additional details can be found in publication PMID: 35346344, PMCID: PMC8962531

Color Diagnostics, LLC DBA Color Health
Classification: Likely benign for Cardiac arrhythmia. Last evaluated: 2022-10-11. Review status: criteria provided, single submitter. Criteria: ACMG Guidelines, 2015. Collection method: clinical testing. Allele origin: germline.

Labcorp Genetics (formerly Invitae), Labcorp
Classification: Likely benign for Long QT syndrome. Last evaluated: 2021-04-06. Review status: criteria provided, single submitter. Criteria: Invitae Variant Classification Sherloc (09022015). Collection method: clinical testing. Allele origin: germline.

Ambry Genetics
Classification: Likely benign for Cardiovascular phenotype. Last evaluated: 2018-04-10. Review status: criteria provided, single submitter. Criteria: Ambry Variant Classification Scheme 2023. Collection method: clinical testing. Allele origin: germline.